The following is an entry in ClinVar:

NM_004329.3(BMPR1A):c.1305A>G (p.Leu435=)

Gene: BMPR1A (bone morphogenetic protein receptor type 1A; plus strand). Cytogenetic location: 10q23.2.
Variant type: single nucleotide variant.
Coding change: c.1305A>G on transcript NM_004329.3 (MANE Select); coding-DNA position 1305, A replaced by G.
Protein change: p.Leu435=; no amino-acid change (leucine 435 retained).
Molecular consequence: synonymous variant.
Genome position (GRCh38, 1-based): chr10:86,921,658, A>G. VCF-style: chr10-86921658-A-G. GRCh37 (hg19) VCF-style: chr10-88681415-A-G.
Other names: c.1305A>G (NM_004329.2).
Identifiers: ClinVar variation 1116411 (VCV001116411.12), dbSNP rs2133608266, ClinGen allele CA470308420.

ClinVar aggregate classification (germline): Benign/Likely benign. Review status: criteria provided, multiple submitters, no conflicts (2 of 4 stars). 4 submissions from 4 submitters: Benign (1); Likely benign (3). Last evaluated 2025-07-25.

Conditions:
Juvenile polyposis syndrome (JPS). Identifiers: Orphanet 2929, MedGen C0345893, MONDO:0017380, OMIM 174900.
Hereditary cancer-predisposing syndrome. Also called: Neoplastic Syndromes, Hereditary; Hereditary Cancer Syndrome; Hereditary neoplastic syndrome; Tumor predisposition. Identifiers: Orphanet 140162, MedGen C0027672, MeSH D009386, MONDO:0015356.

Submissions (4):

Labcorp Genetics (formerly Invitae), Labcorp
Classification: Likely benign for Juvenile polyposis syndrome. Last evaluated: 2025-07-25. Review status: criteria provided, single submitter. Criteria: Invitae Variant Classification Sherloc (09022015). Collection method: clinical testing. Allele origin: germline.

Ambry Genetics
Classification: Likely benign for Hereditary cancer-predisposing syndrome. Last evaluated: 2025-07-19. Review status: criteria provided, single submitter. Criteria: Ambry Variant Classification Scheme 2023. Collection method: clinical testing. Allele origin: germline.

Myriad Genetics, Inc.
Classification: Benign for Juvenile polyposis syndrome. Last evaluated: 2024-08-07. Review status: criteria provided, single submitter. Criteria: Myriad Autosomal Dominant, Autosomal Recessive and X-Linked Classification Criteria (2023). Collection method: clinical testing. Allele origin: unknown.
Comment: This variant is considered benign. This variant is a silent/synonymous amino acid change and it is not expected to impact splicing.

All of Us Research Program, National Institutes of Health
Classification: Likely benign for Juvenile polyposis syndrome. Last evaluated: 2023-05-08. Review status: criteria provided, single submitter. Criteria: ACMG Guidelines, 2015. Collection method: clinical testing. Allele origin: germline. Inheritance: Autosomal dominant inheritance. Observed: 1 variant allele, 1 heterozygote.
Comment: This study involves interpretation of variants in research participants for the purpose of population health screening. Participant phenotype was not available at the time of variant classification. Additional details can be found in publication PMID: 35346344, PMCID: PMC8962531